The following is an entry in ClinVar:

ClinVar aggregate classification (germline): Uncertain significance. Review status: criteria provided, multiple submitters, no conflicts (2 of 4 stars). 5 submissions from 5 submitters: Uncertain significance (5). Last evaluated 2025-12-01.

Conditions:
Colorectal cancer. Also called: Malignant Colorectal Neoplasm; Colorectal cancer, somatic. Identifiers: MedGen C0346629, MONDO:0005575, OMIM 114500.
Hereditary cancer-predisposing syndrome. Also called: Hereditary neoplastic syndrome; Tumor predisposition; Neoplastic Syndromes, Hereditary; Hereditary Cancer Syndrome. Identifiers: Orphanet 140162, MedGen C0027672, MeSH D009386, MONDO:0015356.
Oligodontia-cancer predisposition syndrome. Also called: TOOTH AGENESIS-COLORECTAL CANCER SYNDROME. Identifiers: Orphanet 300576, MedGen C1837750, MONDO:0012075, OMIM 608615. Disease mechanism: loss of function.

Allele frequency attached by ClinVar (database versions not stated): gnomAD exomes 0.00001 and 0.00003; TOPMed 0.00002; gnomAD 0.00003 and 0.00004.

Submissions (5):

Labcorp Genetics (formerly Invitae), Labcorp
Classification: Uncertain significance for Oligodontia-cancer predisposition syndrome. Last evaluated: 2025-12-01. Review status: criteria provided, single submitter. Criteria: Invitae Variant Classification Sherloc (09022015). Collection method: clinical testing. Allele origin: germline.
Comment: This sequence change replaces methionine, which is neutral and non-polar, with valine, which is neutral and non-polar, at codon 182 of the AXIN2 protein (p.Met182Val). This variant is present in population databases (no rsID available, gnomAD 0.002%). This variant has not been reported in the literature in individuals affected with AXIN2-related conditions. ClinVar contains an entry for this variant (Variation ID: 533235). Invitae Evidence Modeling of protein sequence and biophysical properties (such as structural, functional, and spatial information, amino acid conservation, physicochemical variation, residue mobility, and thermodynamic stability) indicates that this missense variant is expected to disrupt AXIN2 protein function with a positive predictive value of 80%. In summary, the available evidence is currently insufficient to determine the role of this variant in disease. Therefore, it has been classified as a Variant of Uncertain Significance.

Ambry Genetics
Classification: Uncertain significance for Hereditary cancer-predisposing syndrome. Last evaluated: 2025-11-13. Review status: criteria provided, single submitter. Criteria: Ambry Variant Classification Scheme 2023. Collection method: clinical testing. Allele origin: germline.
Comment: The p.M182V variant (also known as c.544A>G), located in coding exon 1 of the AXIN2 gene, results from an A to G substitution at nucleotide position 544. The methionine at codon 182 is replaced by valine, an amino acid with highly similar properties. This amino acid position is highly conserved in available vertebrate species. In addition, the in silico prediction for this alteration is inconclusive. Based on the available evidence, the clinical significance of this variant remains unclear.

GeneDx
Classification: Uncertain significance. Last evaluated: 2024-01-18. Review status: criteria provided, single submitter. Criteria: GeneDx Variant Classification Process June 2021. Collection method: clinical testing. Allele origin: germline. Affected: yes.
Comment: Not observed at significant frequency in large population cohorts (gnomAD); In silico analysis supports that this missense variant has a deleterious effect on protein structure/function; Observed in 0/57 cases and in 1/1358 controls in a melanoma and multiple primary cancer study (PMID: 29641532); This variant is associated with the following publications: (PMID: 29641532)

Blueprint Genetics
Classification: Uncertain significance. Last evaluated: 2024-01-09. Review status: criteria provided, single submitter. Criteria: ACMG Guidelines, 2015. Collection method: clinical testing. Allele origin: germline.

Baylor Genetics
Classification: Uncertain significance for Colorectal cancer. Last evaluated: 2023-08-15. Review status: criteria provided, single submitter. Criteria: ACMG Guidelines, 2015. Collection method: clinical testing. Allele origin: unknown.

NM_004655.4(AXIN2):c.544A>G (p.Met182Val)

Gene: AXIN2 (axin 2; minus strand). Cytogenetic location: 17q24.1.
Variant type: single nucleotide variant.
Coding change: c.544A>G on transcript NM_004655.4 (MANE Select); coding-DNA position 544, A replaced by G.
Protein change: p.Met182Val; replaces methionine 182 with valine.
Molecular consequence: missense variant.
Genome position (GRCh38, 1-based): chr17:65,558,077, T>C on the plus strand (A>G on the coding strand, the complement: AXIN2 is on the minus strand). VCF-style: chr17-65558077-T-C. GRCh37 (hg19) VCF-style: chr17-63554195-T-C.
Other names: c.544A>G (LRG_296t1); c.544A>G, p.Met182Val (NM_001363813.1); short protein forms M182V.
Identifiers: ClinVar variation 533235 (VCV000533235.22), dbSNP rs976524379, ClinGen allele CA293107173.